The following is an entry in ClinVar:

NM_015570.4(AUTS2):c.2343dup (p.Ser782fs)

Gene: AUTS2 (activator of transcription and developmental regulator AUTS2; plus strand). Cytogenetic location: 7q11.22.
Variant type: Duplication.
Coding change: c.2343dup on transcript NM_015570.4 (MANE Select); coding-DNA position 2343, one base duplicated (C; older notation c.2343dupC).
Protein change: p.Ser782fs; shifts the reading frame from serine 782.
Molecular consequence: frameshift variant.
Genome position (GRCh38, 1-based): chr7:70,787,243, C duplicated; the last of 4 consecutive C bases (chr7:70,787,240-70,787,243); duplicating any one gives the same sequence. VCF-style (leftmost placement, unchanged base first): chr7-70787239-G-GC. GRCh37 (hg19) VCF-style: chr7-70252225-G-GC.
Other names: c.2271dup, p.Ser758fs (NM_001127231.3); c.2343dupC (NM_015570.2); c.2343dup (NM_015570.2); short protein forms S782fs, S758fs.
Identifiers: ClinVar variation 817945 (VCV000817945.2), dbSNP rs1585694219, ClinGen allele CA915944936.
Genomic context (GRCh38, chr7:70,787,239, plus strand): 5'-ACCTTTTTGTTCTCCACTTCACCATTTCAGCACCCAACTCAATGTTCGGCCACAAGGATG[G>GC]CCCCAGTGTGCAGAACTTTAGCAACCCTCACGAACCCTGGAACCGGCTGCACCGAACGCC-3'

ClinVar aggregate classification (germline): Pathogenic (1 of 4 stars; one submission).

Submission:

GeneDx
Classification: Pathogenic. Last evaluated: 2025-05-10. Review status: criteria provided, single submitter. Criteria: GeneDx Variant Classification Process June 2021. Collection method: clinical testing. Allele origin: germline. Affected: yes.
Comment: Frameshift variant predicted to result in protein truncation or nonsense mediated decay in a gene for which loss of function is a known mechanism of disease; Not observed at significant frequency in large population cohorts (gnomAD); Has not been previously published as pathogenic or benign to our knowledge